The following is an entry in ClinVar:

NM_001130987.2(DYSF):c.994del (p.Glu332fs)

Gene: DYSF (dysferlin; plus strand). Cytogenetic location: 2p13.2.
Variant type: Deletion.
Coding change: c.994del on transcript NM_001130987.2 (MANE Select); coding-DNA position 994, one base deleted (G; older notation c.994delG).
Protein change: p.Glu332fs; shifts the reading frame from glutamic acid 332.
Molecular consequence: frameshift variant.
Genome position (GRCh38, 1-based): chr2:71,517,031, G deleted; the last of 4 consecutive G bases (chr2:71,517,028-71,517,031); deleting any one gives the same sequence. VCF-style (leftmost placement, unchanged base first): chr2-71517027-CG-C. GRCh37 (hg19) VCF-style: chr2-71744157-CG-C.
Other names: c.901del, p.Glu301fs (NM_001130455.2, NM_001130983.2, NM_001130984.2 and 1 more transcripts); c.898del, p.Glu300fs (NM_001130976.2, NM_001130977.2, NM_001130978.2 and 1 more transcripts); c.991del, p.Glu331fs (NM_001130979.2, NM_001130980.2, NM_001130981.2); c.994del, p.Glu332fs (NM_001130982.2, NM_001130985.2); short protein forms E300fs, E301fs, E331fs, E332fs.
Identifiers: ClinVar variation 1724430 (VCV001724430.3), dbSNP rs2545427980, ClinGen allele CA2580067842.

ClinVar aggregate classification (germline): Likely pathogenic (1 of 4 stars; one submission).

Conditions:
Autosomal recessive limb-girdle muscular dystrophy. Identifiers: Orphanet 102015, MedGen C2931907, MONDO:0015152.

Submission:

Myriad Genetics, Inc.
Classification: Likely pathogenic for Autosomal recessive limb-girdle muscular dystrophy. Last evaluated: 2022-02-17. Review status: criteria provided, single submitter. Criteria: Myriad Autosomal Dominant, Autosomal Recessive and X-Linked Classification Criteria (2023). Collection method: clinical testing. Allele origin: unknown.
Comment: NM_003494.3(DYSF):c.898delG(E300Sfs*38) is expected to be pathogenic in the context of dysferlinopathy. This variant is predicted to lead to an abnormal or absent protein product due to the creation of a premature termination codon in DYSF, a gene where loss-of-function variants are known to be pathogenic. Please note: this variant was assessed in the context of healthy population screening.